The following is an entry in ClinVar:

ClinVar aggregate classification (germline): Benign. Review status: criteria provided, multiple submitters, no conflicts (2 of 4 stars). 5 submissions from 5 submitters: Benign (2). 3 of the submissions do not count toward it. Last evaluated 2024-11-27.

Allele frequency attached by ClinVar (database versions not stated): 1000 Genomes Project 0.32748; 1000 Genomes Project 30x 0.33214; gnomAD 0.38152 and 0.38493; TOPMed 0.38342; ESP Exome Variant Server 0.38644.
gnomAD v4.1: 670,105 of 1,612,412 alleles (42%); highest among the groups gnomAD compares: Middle Eastern, 44%; 141,700 homozygotes.

Submissions (5):

Blueprint Genetics
Classification: Benign. Last evaluated: 2024-11-27. Review status: criteria provided, single submitter. Criteria: ACMG Guidelines, 2015. Collection method: clinical testing. Allele origin: germline.

GeneDx
Classification: Benign. Last evaluated: 2020-02-13. Review status: criteria provided, single submitter. Criteria: GeneDx Variant Classification Process June 2021. Collection method: clinical testing. Allele origin: germline. Affected: yes.

Diagnostic Laboratory, Department of Genetics, University Medical Center Groningen
Classification: Benign. Review status: no assertion criteria provided. Collection method: clinical testing. Allele origin: germline. Affected: yes. Study: VKGL Data-share Consensus. Not counted in ClinVar's aggregate classification.

Genetic Services Laboratory, University of Chicago
Classification: Likely benign for AllHighlyPenetrant. Review status: no assertion criteria provided. Collection method: clinical testing. Allele origin: germline. Inheritance: Autosomal recessive inheritance. Not counted in ClinVar's aggregate classification.
Comment: Likely benign based on allele frequency in 1000 Genomes Project or ESP global frequency and its presence in a patient with a rare or unrelated disease phenotype. NOT Sanger confirmed.

Joint Genome Diagnostic Labs from Nijmegen and Maastricht, Radboudumc and MUMC+
Classification: Benign. Review status: no assertion criteria provided. Collection method: clinical testing. Allele origin: germline. Affected: yes. Study: VKGL Data-share Consensus. Not counted in ClinVar's aggregate classification.

NM_021956.5(GRIK2):c.2424G>A (p.Glu808=)

Gene: GRIK2 (glutamate ionotropic receptor kainate type subunit 2; plus strand). Cytogenetic location: 6q16.3.
Variant type: single nucleotide variant.
Coding change: c.2424G>A on transcript NM_021956.5 (MANE Select); coding-DNA position 2424, G replaced by A.
Protein change: p.Glu808=; no amino-acid change (glutamic acid 808 retained).
Molecular consequence: synonymous variant.
Genome position (GRCh38, 1-based): chr6:102,055,442, G>A. VCF-style: chr6-102055442-G-A. GRCh37 (hg19) VCF-style: chr6-102503317-G-A.
Other names: c.2424G>A (NM_021956.3); c.2424G>A, p.Glu808= (NM_001166247.1, NM_175768.3).
Identifiers: ClinVar variation 129175 (VCV000129175.15), dbSNP rs2227283, ClinGen allele CA153014.